The following is an entry in ClinVar:

ClinVar aggregate classification (germline): Uncertain significance (1 of 4 stars; one submission).

Allele frequency attached by ClinVar (database versions not stated): gnomAD 0.00002; TOPMed 0.00002; ExAC 0.00003; gnomAD exomes 0.00003; ESP Exome Variant Server 0.00015.
gnomAD v4.1: 49 of 1,490,590 alleles (0.0033%); highest among the groups gnomAD compares: Middle Eastern, 0.072%; no homozygotes.

Submission:

Labcorp Genetics (formerly Invitae), Labcorp
Classification: Uncertain significance. Last evaluated: 2023-12-11. Review status: criteria provided, single submitter. Criteria: Invitae Variant Classification Sherloc (09022015). Collection method: clinical testing. Allele origin: germline.
Comment: This sequence change falls in intron 12 of the DZIP1L gene. It does not directly change the encoded amino acid sequence of the DZIP1L protein. It affects a nucleotide within the consensus splice site. The frequency data for this variant in the population databases is considered unreliable, as metrics indicate poor data quality at this position in the gnomAD database. This variant has not been reported in the literature in individuals affected with DZIP1L-related conditions. ClinVar contains an entry for this variant (Variation ID: 2084229). Variants that disrupt the consensus splice site are a relatively common cause of aberrant splicing (PMID: 17576681, 9536098). Algorithms developed to predict the effect of sequence changes on RNA splicing suggest that this variant is not likely to affect RNA splicing. In summary, the available evidence is currently insufficient to determine the role of this variant in disease. Therefore, it has been classified as a Variant of Uncertain Significance.

Literature cited by the submitters: PubMed 17576681; PubMed 9536098.

NM_173543.3(DZIP1L):c.1616-3C>T

Gene: DZIP1L (DAZ interacting zinc finger protein 1 like; minus strand). Cytogenetic location: 3q22.3.
Variant type: single nucleotide variant.
Coding change: c.1616-3C>T on transcript NM_173543.3 (MANE Select); 3 bases into the intron before coding-DNA position 1616, C replaced by T.
Molecular consequence: intron variant.
Genome position (GRCh38, 1-based): chr3:138,068,370, G>A on the plus strand (C>T on the coding strand, the complement: DZIP1L is on the minus strand). VCF-style: chr3-138068370-G-A. GRCh37 (hg19) VCF-style: chr3-137787212-G-A.
Identifiers: ClinVar variation 2084229 (VCV002084229.2), dbSNP rs368685062, ClinGen allele CA2634855.